The following is an entry in ClinVar:

NM_002185.5(IL7R):c.537+6T>C

Gene: IL7R (interleukin 7 receptor; plus strand). Cytogenetic location: 5p13.2.
Variant type: single nucleotide variant.
Coding change: c.537+6T>C on transcript NM_002185.5 (MANE Select); 6 bases into the intron after coding-DNA position 537, T replaced by C.
Molecular consequence: intron variant.
Genome position (GRCh38, 1-based): chr5:35,871,219, T>C. VCF-style: chr5-35871219-T-C. GRCh37 (hg19) VCF-style: chr5-35871321-T-C.
Identifiers: ClinVar variation 855358 (VCV000855358.10), dbSNP rs1760068715, ClinGen allele CA916082298.

ClinVar aggregate classification (germline): Uncertain significance (1 of 4 stars; one submission).

Conditions:
Immunodeficiency 104. Also called: IMMUNODEFICIENCY 104, SEVERE COMBINED; SCID, AUTOSOMAL RECESSIVE, T CELL-NEGATIVE, B CELL-POSITIVE, NK CELL-POSITIVE; Severe combined immunodeficiency, autosomal recessive, T cell-negative, B cell-positive, NK cell-positive; Severe Combined Immune Deficiency, Autosomal Recessive, TCell -Negative, B Cell-Positive, NK Cell-Positive, IL7R-Related. Identifiers: MedGen C5676890, MONDO:0012163, OMIM 608971.

Submission:

Labcorp Genetics (formerly Invitae), Labcorp
Classification: Uncertain significance for Immunodeficiency 104. Last evaluated: 2019-12-03. Review status: criteria provided, single submitter. Criteria: Invitae Variant Classification Sherloc (09022015). Collection method: clinical testing. Allele origin: germline.
Comment: This variant is not present in population databases (ExAC no frequency). In summary, the available evidence is currently insufficient to determine the role of this variant in disease. Therefore, it has been classified as a Variant of Uncertain Significance. Nucleotide substitutions within the consensus splice site are a relatively common cause of aberrant splicing (PMID: 17576681, 9536098). Algorithms developed to predict the effect of sequence changes on RNA splicing suggest that this variant is not likely to affect RNA splicing, but this prediction has not been confirmed by published transcriptional studies. This variant has not been reported in the literature in individuals with IL7R-related conditions. This sequence change falls in intron 4 of the IL7R gene. It does not directly change the encoded amino acid sequence of the IL7R protein, but it affects a nucleotide within the consensus splice site of the intron.

Literature cited by the submitters: PubMed 17576681; PubMed 9536098.